The following is an entry in ClinVar:

NM_002435.3(MPI):c.1174C>T (p.Arg392Cys)

Gene: MPI (mannose phosphate isomerase; plus strand). Cytogenetic location: 15q24.1.
Variant type: single nucleotide variant.
Coding change: c.1174C>T on transcript NM_002435.3 (MANE Select); coding-DNA position 1174, C replaced by T.
Protein change: p.Arg392Cys; replaces arginine 392 with cysteine.
Molecular consequence: missense variant. On other transcripts: 3 prime UTR variant (1).
Genome position (GRCh38, 1-based): chr15:74,897,632, C>T. VCF-style: chr15-74897632-C-T. GRCh37 (hg19) VCF-style: chr15-75189973-C-T.
Other names: c.*101C>T (NM_001289155.2); c.1024C>T, p.Arg342Cys (NM_001289156.2); c.991C>T, p.Arg331Cys (NM_001289157.2); c.1114C>T, p.Arg372Cys (NM_001330372.2); short protein forms R392C, R331C, R372C, R342C.
Identifiers: ClinVar variation 653334 (VCV000653334.6), dbSNP rs751962765, ClinGen allele CA7662662.

ClinVar aggregate classification (germline): Uncertain significance (1 of 4 stars; one submission).

Conditions:
MPI-congenital disorder of glycosylation. Also called: MANNOSEPHOSPHATE ISOMERASE DEFICIENCY; MPI DEFICIENCY; PROTEIN-LOSING ENTEROPATHY-HEPATIC FIBROSIS SYNDROME; CONGENITAL DISORDER OF GLYCOSYLATION, TYPE Ib; CDG Ib; MPI-CDG. Identifiers: Orphanet 79319, MedGen C1865145, MONDO:0011257, OMIM 602579.

Allele frequency attached by ClinVar (database versions not stated): gnomAD 0.00001; gnomAD exomes 0.00001; TOPMed 0.00001; ExAC 0.00002.

Submission:

Labcorp Genetics (formerly Invitae), Labcorp
Classification: Uncertain significance for MPI-congenital disorder of glycosylation. Last evaluated: 2021-09-01. Review status: criteria provided, single submitter. Criteria: Invitae Variant Classification Sherloc (09022015). Collection method: clinical testing. Allele origin: germline.
Comment: This sequence change replaces arginine with cysteine at codon 392 of the MPI protein (p.Arg392Cys). The arginine residue is highly conserved and there is a large physicochemical difference between arginine and cysteine. This variant is present in population databases (rs751962765, ExAC 0.006%). This variant has not been reported in the literature in individuals affected with MPI-related conditions. Algorithms developed to predict the effect of missense changes on protein structure and function output the following: SIFT: "Deleterious"; PolyPhen-2: "Benign"; Align-GVGD: "Class C25". The cysteine amino acid residue is found in multiple mammalian species, which suggests that this missense change does not adversely affect protein function. In summary, the available evidence is currently insufficient to determine the role of this variant in disease. Therefore, it has been classified as a Variant of Uncertain Significance.